The following is an entry in ClinVar:

NM_138433.5(KLHDC7B):c.1707A>T (p.Pro569=)

Genes: KLHDC7B (kelch domain containing 7B; plus strand), KLHDC7B-DT (KLHDC7B divergent transcript; minus strand). Cytogenetic location: 22q13.33.
Variant type: single nucleotide variant.
Coding change: c.1707A>T on transcript NM_138433.5 (MANE Select); coding-DNA position 1707, A replaced by T.
Protein change: p.Pro569=; no amino-acid change (proline 569 retained).
Molecular consequence: synonymous variant.
Genome position (GRCh38, 1-based): chr22:50,547,950, A>T. VCF-style: chr22-50547950-A-T. GRCh37 (hg19) VCF-style: chr22-50986379-A-T.
Identifiers: ClinVar variation 3771489 (VCV003771489.13).

ClinVar aggregate classification (germline): Likely benign (1 of 4 stars; one submission).

Submission:

CeGaT Center for Human Genetics Tuebingen
Classification: Likely benign. Last evaluated: 2025-02-01. Review status: criteria provided, single submitter. Criteria: CeGaT Center For Human Genetics Tuebingen Variant Classification Criteria Version 2. Collection method: clinical testing. Allele origin: germline. Affected: yes. Observed: 1 variant allele.
Comment: KLHDC7B: BP4, BP7